The following is an entry in ClinVar:

ClinVar aggregate classification (germline): Uncertain significance (1 of 4 stars; one submission).

Conditions:
Cardiovascular phenotype. Identifiers: MedGen CN230736.

gnomAD v4.1: 1 of 1,613,934 alleles (0.000062%); highest among the groups gnomAD compares: African/African-American, 0.0013%; no homozygotes.

Submission:

Ambry Genetics
Classification: Uncertain significance for Cardiovascular phenotype. Last evaluated: 2026-03-21. Review status: criteria provided, single submitter. Criteria: Ambry Variant Classification Scheme 2023. Collection method: clinical testing. Allele origin: germline.
Comment: The p.V3278A variant (also known as c.9833T>C), located in coding exon 26 of the APOB gene, results from a T to C substitution at nucleotide position 9833. The valine at codon 3278 is replaced by alanine, an amino acid with similar properties. This amino acid position is conserved. In addition, this alteration is predicted to be tolerated by in silico analysis. Based on the available evidence, the clinical significance of this variant remains unclear.

NM_000384.3(APOB):c.9833T>C (p.Val3278Ala)

Gene: APOB (apolipoprotein B; minus strand). Cytogenetic location: 2p24.1.
Variant type: single nucleotide variant.
Coding change: c.9833T>C on transcript NM_000384.3 (MANE Select); coding-DNA position 9833, T replaced by C.
Protein change: p.Val3278Ala; replaces valine 3278 with alanine.
Molecular consequence: missense variant.
Genome position (GRCh38, 1-based): chr2:21,007,035, A>G on the plus strand (T>C on the coding strand, the complement: APOB is on the minus strand). VCF-style: chr2-21007035-A-G. GRCh37 (hg19) VCF-style: chr2-21229907-A-G.
Other names: short protein forms V3278A.
Identifiers: ClinVar variation 4862449 (VCV004862449.1).